The following is an entry in ClinVar:

ClinVar aggregate classification (germline): Likely benign. Review status: criteria provided, single submitter (1 of 4 stars). 2 submissions from 2 submitters: Likely benign (1). 1 of the submissions does not count toward it. Last evaluated 2024-06-13.

Conditions:
PDE6B-related disorder. Also called: PDE6B-related disorders; PDE6B-related disease; PDE6B-related condition.

Allele frequency attached by ClinVar (database versions not stated): ExAC 0.00004.
gnomAD v4.1: 29 of 1,606,436 alleles (0.0018%); highest among the groups gnomAD compares: East Asian, 0.02%; no homozygotes.

Submissions (2):

Labcorp Genetics (formerly Invitae), Labcorp
Classification: Likely benign. Last evaluated: 2024-06-13. Review status: criteria provided, single submitter. Criteria: Invitae Variant Classification Sherloc (09022015). Collection method: clinical testing. Allele origin: germline.

PreventionGenetics, part of Exact Sciences
Classification: Likely benign for PDE6B-related condition. Last evaluated: 2020-03-18. Review status: no assertion criteria provided. Collection method: clinical testing. Allele origin: germline. Not counted in ClinVar's aggregate classification.
Comment: This variant is classified as likely benign based on ACMG/AMP sequence variant interpretation guidelines (Richards et al. 2015 PMID: 25741868, with internal and published modifications).

NM_000283.4(PDE6B):c.1725C>T (p.Thr575=)

Gene: PDE6B (phosphodiesterase 6B; plus strand). Cytogenetic location: 4p16.3.
Variant type: single nucleotide variant.
Coding change: c.1725C>T on transcript NM_000283.4 (MANE Select); coding-DNA position 1725, C replaced by T.
Protein change: p.Thr575=; no amino-acid change (threonine 575 retained).
Molecular consequence: synonymous variant.
Genome position (GRCh38, 1-based): chr4:662,511, C>T. VCF-style: chr4-662511-C-T. GRCh37 (hg19) VCF-style: chr4-656300-C-T.
Other names: c.1725C>T (NM_000283.3); c.1725C>T, p.Thr575= (NM_001145291.2); c.888C>T, p.Thr296= (NM_001145292.2, NM_001350154.3, NM_001379246.1 and 1 more transcripts); c.570C>T, p.Thr190= (NM_001350155.3).
Identifiers: ClinVar variation 1541663 (VCV001541663.10), dbSNP rs764517248, ClinGen allele CA2794666.